The following is an entry in ClinVar:

ClinVar aggregate classification (germline): Uncertain significance (1 of 4 stars; one submission).

gnomAD v4.1: 3 of 1,611,478 alleles (0.00019%); highest among the groups gnomAD compares: Non-Finnish European, 0.00025%; no homozygotes.

Submission:

Labcorp Genetics (formerly Invitae), Labcorp
Classification: Uncertain significance. Last evaluated: 2024-11-11. Review status: criteria provided, single submitter. Criteria: Invitae Variant Classification Sherloc (09022015). Collection method: clinical testing. Allele origin: germline.
Comment: This sequence change replaces histidine, which is basic and polar, with asparagine, which is neutral and polar, at codon 697 of the LTBP4 protein (p.His697Asn). This variant is not present in population databases (gnomAD no frequency). This variant has not been reported in the literature in individuals affected with LTBP4-related conditions. Experimental studies and prediction algorithms are not available or were not evaluated, and the functional significance of this variant is currently unknown. In summary, the available evidence is currently insufficient to determine the role of this variant in disease. Therefore, it has been classified as a Variant of Uncertain Significance.

NM_001042545.2(LTBP4):c.1999C>A (p.His667Asn)

Gene: LTBP4 (latent transforming growth factor beta binding protein 4; plus strand). Cytogenetic location: 19q13.2.
Variant type: single nucleotide variant.
Coding change: c.1999C>A on transcript NM_001042545.2 (MANE Select); coding-DNA position 1999, C replaced by A.
Protein change: p.His667Asn; replaces histidine 667 with asparagine.
Molecular consequence: missense variant.
Genome position (GRCh38, 1-based): chr19:40,611,340, C>A. VCF-style: chr19-40611340-C-A. GRCh37 (hg19) VCF-style: chr19-41117246-C-A.
Other names: c.2200C>A, p.His734Asn (NM_001042544.1); c.2089C>A, p.His697Asn (NM_003573.2); short protein forms H667N, H697N, H734N.
Identifiers: ClinVar variation 3724984 (VCV003724984.2).